The following is an entry in ClinVar:

ClinVar aggregate classification (germline): Uncertain significance. Review status: criteria provided, multiple submitters, no conflicts (2 of 4 stars). 2 submissions from 2 submitters: Uncertain significance (2). Last evaluated 2025-08-25.

Conditions:
Myofibrillar myopathy 5. Also called: Filaminopathy (type); FILAMINOPATHY, AUTOSOMAL DOMINANT. Identifiers: Orphanet 171445, MedGen C1836050, MONDO:0012289, OMIM 609524.
Distal myopathy with posterior leg and anterior hand involvement. Also called: WILLIAMS DISTAL MYOPATHY. Identifiers: Orphanet 63273, MedGen C3279722, MONDO:0013550, OMIM 614065.
Hypertrophic cardiomyopathy 26. Also called: Cardiomyopathy, familial hypertrophic, 26. Identifiers: Orphanet 75249, MedGen C4310749, MONDO:0014883, OMIM 617047.

Allele frequency attached by ClinVar (database versions not stated): gnomAD exomes below 0.00001; ExAC 0.00001.

Submissions (2):

Labcorp Genetics (formerly Invitae), Labcorp
Classification: Uncertain significance for Distal myopathy with posterior leg and anterior hand involvement; Myofibrillar myopathy 5; Hypertrophic cardiomyopathy 26. Last evaluated: 2025-08-25. Review status: criteria provided, single submitter. Criteria: Invitae Variant Classification Sherloc (09022015). Collection method: clinical testing. Allele origin: germline.
Comment: This sequence change replaces alanine, which is neutral and non-polar, with threonine, which is neutral and polar, at codon 1672 of the FLNC protein (p.Ala1672Thr). This variant is present in population databases (rs777955543, gnomAD 0.0009%). This variant has not been reported in the literature in individuals affected with FLNC-related conditions. ClinVar contains an entry for this variant (Variation ID: 2441511). Invitae Evidence Modeling of protein sequence and biophysical properties (such as structural, functional, and spatial information, amino acid conservation, physicochemical variation, residue mobility, and thermodynamic stability) has been performed for this missense variant. However, the output from this modeling did not meet the statistical confidence thresholds required to predict the impact of this variant on FLNC protein function. In summary, the available evidence is currently insufficient to determine the role of this variant in disease. Therefore, it has been classified as a Variant of Uncertain Significance.

Revvity Omics, Revvity
Classification: Uncertain significance. Last evaluated: 2020-09-24. Review status: criteria provided, single submitter. Criteria: ACMG Guidelines, 2015. Collection method: clinical testing. Allele origin: germline.

NM_001458.5(FLNC):c.5014G>A (p.Ala1672Thr)

Gene: FLNC (filamin C; plus strand). Cytogenetic location: 7q32.1.
Variant type: single nucleotide variant.
Coding change: c.5014G>A on transcript NM_001458.5 (MANE Select); coding-DNA position 5014, G replaced by A.
Protein change: p.Ala1672Thr; replaces alanine 1672 with threonine.
Molecular consequence: missense variant.
Genome position (GRCh38, 1-based): chr7:128,849,393, G>A. VCF-style: chr7-128849393-G-A. GRCh37 (hg19) VCF-style: chr7-128489447-G-A.
Other names: c.5014G>A, p.Ala1672Thr (NM_001127487.2); short protein forms A1672T.
Identifiers: ClinVar variation 2441511 (VCV002441511.5), dbSNP rs777955543, ClinGen allele CA4475543.